The following is an entry in ClinVar:

NM_000501.4(ELN):c.570A>C (p.Pro190=)

Gene: ELN (elastin; plus strand). Cytogenetic location: 7q11.23.
Variant type: single nucleotide variant.
Coding change: c.570A>C on transcript NM_000501.4 (MANE Select); coding-DNA position 570, A replaced by C.
Protein change: p.Pro190=; no amino-acid change (proline 190 retained).
Molecular consequence: synonymous variant. On other transcripts: intron variant (2).
Genome position (GRCh38, 1-based): chr7:74,046,216, A>C. VCF-style: chr7-74046216-A-C. GRCh37 (hg19) VCF-style: chr7-73460546-A-C.
Other names: c.540A>C, p.Pro180= (NM_001081752.3, NM_001278917.2); c.585A>C, p.Pro195= (NM_001081753.3, NM_001081754.3); c.570A>C, p.Pro190= (NM_001081755.3, NM_001278912.2, NM_001278915.2 and 2 more transcripts); c.555A>C, p.Pro185= (NM_001278914.2); c.506-480A>C (NM_001278913.2); c.440-480A>C (NM_001278918.2).
Identifiers: ClinVar variation 3705541 (VCV003705541.2).

ClinVar aggregate classification (germline): Uncertain significance (1 of 4 stars; one submission).

Conditions:
Supravalvar aortic stenosis (SVAS). Also called: Supravalvar aortic stenosis, Eisenberg type. Identifiers: Orphanet 3193, MedGen C0003499, MONDO:0008504, OMIM 185500, HP:0004381.

gnomAD v4.1: 7 of 1,614,056 alleles (0.00043%); highest among the groups gnomAD compares: Non-Finnish European, 0.00059%; no homozygotes.

Submission:

Labcorp Genetics (formerly Invitae), Labcorp
Classification: Uncertain significance for Supravalvar aortic stenosis. Last evaluated: 2024-08-14. Review status: criteria provided, single submitter. Criteria: Invitae Variant Classification Sherloc (09022015). Collection method: clinical testing. Allele origin: germline.
Comment: This sequence change affects codon 190 of the ELN mRNA. It is a 'silent' change, meaning that it does not change the encoded amino acid sequence of the ELN protein. It affects a nucleotide within the consensus splice site. This variant is not present in population databases (gnomAD no frequency). This variant has not been reported in the literature in individuals affected with ELN-related conditions. Algorithms developed to predict the effect of sequence changes on RNA splicing suggest that this variant may disrupt the consensus splice site. In summary, the available evidence is currently insufficient to determine the role of this variant in disease. Therefore, it has been classified as a Variant of Uncertain Significance.